The following is an entry in ClinVar:

ClinVar aggregate classification (germline): Pathogenic (1 of 4 stars; one submission).

Conditions:
Long QT syndrome (LQTS). Identifiers: MedGen C0023976, MeSH D008133, MONDO:0002442. Disease mechanism: loss of function. Inheritance: Various modes of inheritance.

Submission:

Labcorp Genetics (formerly Invitae), Labcorp
Classification: Pathogenic for Long QT syndrome. Last evaluated: 2025-05-27. Review status: criteria provided, single submitter. Criteria: Invitae Variant Classification Sherloc (09022015). Collection method: clinical testing. Allele origin: germline.
Comment: This sequence change creates a premature translational stop signal (p.Arg694Glnfs*29) in the KCNH2 gene. It is expected to result in an absent or disrupted protein product. Loss-of-function variants in KCNH2 are known to be pathogenic (PMID: 10973849, 19862833). This variant is not present in population databases (gnomAD no frequency). This variant has not been reported in the literature in individuals affected with KCNH2-related conditions. For these reasons, this variant has been classified as Pathogenic.

Literature cited by the submitters: PubMed 10973849; PubMed 19862833.

NM_000238.4(KCNH2):c.2080_2081insA (p.Arg694fs)

Gene: KCNH2 (potassium voltage-gated channel subfamily H member 2; minus strand). Cytogenetic location: 7q36.1.
Variant type: Insertion.
Coding change: c.2080_2081insA on transcript NM_000238.4 (MANE Select); coding-DNA positions 2080 to 2081, A inserted.
Protein change: p.Arg694fs; shifts the reading frame from arginine 694.
Molecular consequence: frameshift variant. On other transcripts: non-coding transcript variant (2).
Genome position: GRCh38 VCF-style: chr7-150950985-C-CT. GRCh37 (hg19) VCF-style: chr7-150648073-C-CT.
Other names: c.1060_1061insA, p.Arg354fs (NM_001204798.2, NM_172057.3); c.1792_1793insA, p.Arg598fs (NM_001406753.1, NM_001406756.1); c.1903_1904insA, p.Arg635fs (NM_001406755.1); c.1780_1781insA, p.Arg594fs (NM_001406757.1); c.2080_2081insA, p.Arg694fs (NM_172056.3); short protein forms R598fs, R694fs, R354fs, R594fs, R635fs.
Identifiers: ClinVar variation 4720342 (VCV004720342.1).
Genomic context (GRCh38, chr7:150,950,985, plus strand): 5'-TTCATGTCGATGCCGTTGGTGTAGGACCAGGCGTGCTGGAAGTACTCCTCGAGGCGCTGG[C>CT]GCAGGGGATTGGGGATCTGGTGGAAGCGGATGAACTCCCGCACCCGCAGCATCTGTGTGT-3'